The following is an entry in ClinVar:

NM_001042545.2(LTBP4):c.1397_1401del (p.Ala466fs)

Gene: LTBP4 (latent transforming growth factor beta binding protein 4; plus strand). Cytogenetic location: 19q13.2.
Variant type: Deletion.
Coding change: c.1397_1401del on transcript NM_001042545.2 (MANE Select); coding-DNA positions 1397 to 1401, 5 bases deleted (CCTGG; older notation c.1397_1401delCCTGG).
Protein change: p.Ala466fs; shifts the reading frame from alanine 466.
Molecular consequence: frameshift variant.
Genome position (GRCh38, 1-based): chr19:40,608,574-40,608,578, CCTGG deleted; deleting any 5 consecutive bases within chr19:40,608,573-40,608,578 gives the same sequence; the c. name uses the placement nearest the transcript's 3' end. VCF-style (leftmost placement, unchanged base first): chr19-40608572-TGCCTG-T. GRCh37 (hg19) VCF-style: chr19-41114478-TGCCTG-T.
Other names: c.1598_1602del, p.Ala533fs (NM_001042544.1); c.1487_1491del, p.Ala496fs (NM_003573.2); short protein forms A466fs, A496fs, A533fs.
Identifiers: ClinVar variation 3651178 (VCV003651178.2).

ClinVar aggregate classification (germline): Pathogenic (1 of 4 stars; one submission).

Submission:

Labcorp Genetics (formerly Invitae), Labcorp
Classification: Pathogenic. Last evaluated: 2024-04-25. Review status: criteria provided, single submitter. Criteria: Invitae Variant Classification Sherloc (09022015). Collection method: clinical testing. Allele origin: germline.
Comment: This sequence change creates a premature translational stop signal (p.Ala496Aspfs*4) in the LTBP4 gene. It is expected to result in an absent or disrupted protein product. Loss-of-function variants in LTBP4 are known to be pathogenic (PMID: 19836010, 22829427). This variant is not present in population databases (gnomAD no frequency). This variant has not been reported in the literature in individuals affected with LTBP4-related conditions. Algorithms developed to predict the effect of sequence changes on RNA splicing suggest that this variant may disrupt the consensus splice site. For these reasons, this variant has been classified as Pathogenic.

Literature cited by the submitters: PubMed 19836010; PubMed 22829427.